The following is an entry in ClinVar:

NM_015192.4(PLCB1):c.464C>T (p.Ala155Val)

Gene: PLCB1 (phospholipase C beta 1; plus strand). Cytogenetic location: 20p12.3.
Variant type: single nucleotide variant.
Coding change: c.464C>T on transcript NM_015192.4 (MANE Select); coding-DNA position 464, C replaced by T.
Protein change: p.Ala155Val; replaces alanine 155 with valine.
Molecular consequence: missense variant.
Genome position (GRCh38, 1-based): chr20:8,646,181, C>T. VCF-style: chr20-8646181-C-T. GRCh37 (hg19) VCF-style: chr20-8626828-C-T.
Other names: c.464C>T, p.Ala155Val (NM_182734.3); short protein forms A155V.
Identifiers: ClinVar variation 971402 (VCV000971402.9), dbSNP rs148738915, ClinGen allele CA9759682.

ClinVar aggregate classification (germline): Uncertain significance. Review status: criteria provided, multiple submitters, no conflicts (2 of 4 stars). 2 submissions from 2 submitters: Uncertain significance (2). Last evaluated 2022-02-04.

Conditions:
Inborn genetic diseases. Identifiers: MedGen C0950123, MeSH D030342.
Developmental and epileptic encephalopathy, 12 (DEE12). Identifiers: MedGen C3150988, MONDO:0013389, OMIM 613722.

Allele frequency attached by ClinVar (database versions not stated): gnomAD exomes 0.00002; ExAC 0.00003; TOPMed 0.00005; ESP Exome Variant Server 0.00015.
gnomAD v4.1: 24 of 1,604,492 alleles (0.0015%); highest among the groups gnomAD compares: Admixed American, 0.012%; no homozygotes.

Submissions (2):

Labcorp Genetics (formerly Invitae), Labcorp
Classification: Uncertain significance for Developmental and epileptic encephalopathy, 12. Last evaluated: 2022-02-04. Review status: criteria provided, single submitter. Criteria: Invitae Variant Classification Sherloc (09022015). Collection method: clinical testing. Allele origin: germline.
Comment: This sequence change replaces alanine, which is neutral and non-polar, with valine, which is neutral and non-polar, at codon 155 of the PLCB1 protein (p.Ala155Val). This variant is present in population databases (rs148738915, gnomAD 0.003%). This variant has not been reported in the literature in individuals affected with PLCB1-related conditions. ClinVar contains an entry for this variant (Variation ID: 971402). Algorithms developed to predict the effect of missense changes on protein structure and function are either unavailable or do not agree on the potential impact of this missense change (SIFT: "Deleterious"; PolyPhen-2: "Benign"; Align-GVGD: "Class C0"). Algorithms developed to predict the effect of sequence changes on RNA splicing suggest that this variant may disrupt the consensus splice site. In summary, the available evidence is currently insufficient to determine the role of this variant in disease. Therefore, it has been classified as a Variant of Uncertain Significance.

Ambry Genetics
Classification: Uncertain significance for Inborn genetic diseases. Last evaluated: 2017-12-15. Review status: criteria provided, single submitter. Criteria: Ambry Variant Classification Scheme 2023. Collection method: clinical testing. Allele origin: germline.
Comment: The c.464C>T variant (also known as p.A155V), located in coding exon 5 of the PLCB1 gene, results from a C to T substitution at nucleotide position 464. The amino acid change results in alanine to valine at codon 155, an amino acid with similar properties. However, this change occurs in the last base pair of coding exon 5, which makes it likely to have some effect on normal mRNA splicing. Using the BDGP and ESEfinder splice site prediction tools, this alteration is not predicted to affect the efficiency of the native splice donor site; however, direct experimental evidence is unavailable. The amino acid position is highly conserved in available vertebrate species. In addition, the in silico prediction for this alteration is inconclusive. Since supporting evidence is limited at this time, the clinical significance of this alteration remains unclear.